The following is an entry in ClinVar:

NM_006445.4(PRPF8):c.1281C>A (p.Val427=)

Gene: PRPF8 (pre-mRNA processing factor 8; minus strand). Cytogenetic location: 17p13.3.
Variant type: single nucleotide variant.
Coding change: c.1281C>A on transcript NM_006445.4 (MANE Select); coding-DNA position 1281, C replaced by A.
Protein change: p.Val427=; no amino-acid change (valine 427 retained).
Molecular consequence: synonymous variant.
Genome position (GRCh38, 1-based): chr17:1,679,617, G>T on the plus strand (C>A on the coding strand, the complement: PRPF8 is on the minus strand). VCF-style: chr17-1679617-G-T. GRCh37 (hg19) VCF-style: chr17-1582911-G-T.
Identifiers: ClinVar variation 1650428 (VCV001650428.33), dbSNP rs528335604, ClinGen allele CA8272402.
Genomic context (GRCh38, chr17:1,679,617, plus strand): 5'-TTTTCTCCTACACATCCACTATCATTCCCCCTGCCACAGGGAAAAACCTTACCAGTTCTT[G>T]ACAAGGGGTATGTCCAGGGCCCGACGGGTGCGACCAGAGCGTAGGTTGAAGGGCCGCGGG-3'
Protein context (NP_006436.3, residues 417-437): RTRRALDIPL[Val427=]KNWYREHCPA

ClinVar aggregate classification (germline): Likely benign. Review status: criteria provided, multiple submitters, no conflicts (2 of 4 stars). 3 submissions from 3 submitters: Likely benign (3). Last evaluated 2025-11-12.

Allele frequency attached by ClinVar (database versions not stated): 1000 Genomes Project 30x 0.00016; 1000 Genomes Project 0.00020.
gnomAD v4.1: 14 of 1,613,452 alleles (0.00087%); highest among the groups gnomAD compares: Middle Eastern, 0.036%; no homozygotes.

Submissions (3):

Labcorp Genetics (formerly Invitae), Labcorp
Classification: Likely benign. Last evaluated: 2025-11-12. Review status: criteria provided, single submitter. Criteria: Invitae Variant Classification Sherloc (09022015). Collection method: clinical testing. Allele origin: germline.

Blueprint Genetics
Classification: Likely benign. Last evaluated: 2024-08-06. Review status: criteria provided, single submitter. Criteria: ACMG Guidelines, 2015. Collection method: clinical testing. Allele origin: germline.

CeGaT Center for Human Genetics Tuebingen
Classification: Likely benign. Last evaluated: 2022-05-01. Review status: criteria provided, single submitter. Criteria: CeGaT Center For Human Genetics Tuebingen Variant Classification Criteria Version 2. Collection method: clinical testing. Allele origin: germline. Affected: yes. Observed: 1 variant allele.
Comment: PRPF8: BP4, BP7